The following is an entry in ClinVar:

NM_006044.4(HDAC6):c.632+8T>G

Gene: HDAC6 (histone deacetylase 6; plus strand). Cytogenetic location: Xp11.23.
Variant type: single nucleotide variant.
Coding change: c.632+8T>G on transcript NM_006044.4 (MANE Select); 8 bases into the intron after coding-DNA position 632, T replaced by G.
Molecular consequence: intron variant. On other transcripts: 3 prime UTR variant (2), non-coding transcript variant (1).
Genome position (GRCh38, 1-based): chrX:48,806,714, T>G. VCF-style: chrX-48806714-T-G. GRCh37 (hg19) VCF-style: chrX-48665121-T-G.
Other names: c.*1039T>G (NM_001321230.2, NM_001321231.2); c.674+8T>G (NM_001321225.2); c.632+8T>G (NM_001321229.1, NM_001321226.2, NM_001321227.2 and 1 more transcripts).
Identifiers: ClinVar variation 3036827 (VCV003036827.2), dbSNP rs2519387616, ClinGen allele CA2693651184.
Genomic context (GRCh38, chrX:48,806,714, plus strand): 5'-CTGGTGGATGCGGTCCTGGGGGCTGAGATCCGGAATGGCATGGCCATCATTAGGTAGGAC[T>G]CTACAGCATTTGACTTTTTACATTGTTTTAAAGTCCTTCCTTCAAGTGTAAAATGTATTG-3'

ClinVar aggregate classification (germline): Likely benign (0 of 4 stars; one submission).

Conditions:
HDAC6-related disorder. Also called: HDAC6-related condition.

Allele frequency attached by ClinVar (database versions not stated): gnomAD exomes below 0.00001.
gnomAD v4.1: 1 of 1,113,965 alleles (0.00009%); highest among the groups gnomAD compares: Non-Finnish European, 0.00012%; no homozygotes.

Submission:

PreventionGenetics, part of Exact Sciences
Classification: Likely benign for HDAC6-related condition. Last evaluated: 2020-07-20. Review status: no assertion criteria provided. Collection method: clinical testing. Allele origin: germline.
Comment: This variant is classified as likely benign based on ACMG/AMP sequence variant interpretation guidelines (Richards et al. 2015 PMID: 25741868, with internal and published modifications).